The following is an entry in ClinVar:

ClinVar aggregate classification (germline): Uncertain significance. Review status: criteria provided, multiple submitters, no conflicts (2 of 4 stars). 2 submissions from 2 submitters: Uncertain significance (2). Last evaluated 2024-08-30.

Allele frequency attached by ClinVar (database versions not stated): gnomAD exomes 0.00001 and 0.00002; ExAC 0.00002; ESP Exome Variant Server 0.00008; gnomAD 0.00014 and 0.00016; TOPMed 0.00014; 1000 Genomes Project 30x 0.00016; 1000 Genomes Project 0.00020.
gnomAD v4.1: 42 of 1,614,128 alleles (0.0026%); highest among the groups gnomAD compares: African/African-American, 0.053%; no homozygotes.

Submissions (2):

Blueprint Genetics
Classification: Uncertain significance. Last evaluated: 2024-08-30. Review status: criteria provided, single submitter. Criteria: ACMG Guidelines, 2015. Collection method: clinical testing. Allele origin: germline.

Labcorp Genetics (formerly Invitae), Labcorp
Classification: Uncertain significance. Last evaluated: 2023-09-11. Review status: criteria provided, single submitter. Criteria: Invitae Variant Classification Sherloc (09022015). Collection method: clinical testing. Allele origin: germline.
Comment: This variant is present in population databases (rs147387623, gnomAD 0.05%). This variant has not been reported in the literature in individuals affected with WHRN-related conditions. ClinVar contains an entry for this variant (Variation ID: 939147). An algorithm developed to predict the effect of missense changes on protein structure and function (PolyPhen-2) suggests that this variant is likely to be disruptive. In summary, the available evidence is currently insufficient to determine the role of this variant in disease. Therefore, it has been classified as a Variant of Uncertain Significance. This sequence change replaces lysine, which is basic and polar, with glutamine, which is neutral and polar, at codon 821 of the WHRN protein (p.Lys821Gln).

NM_015404.4(WHRN):c.2461A>C (p.Lys821Gln)

Gene: WHRN (whirlin; minus strand). Cytogenetic location: 9q32.
Variant type: single nucleotide variant.
Coding change: c.2461A>C on transcript NM_015404.4 (MANE Select); coding-DNA position 2461, A replaced by C.
Protein change: p.Lys821Gln; replaces lysine 821 with glutamine.
Molecular consequence: missense variant.
Genome position (GRCh38, 1-based): chr9:114,403,297, T>G on the plus strand (A>C on the coding strand, the complement: WHRN is on the minus strand). VCF-style: chr9-114403297-T-G. GRCh37 (hg19) VCF-style: chr9-117165577-T-G.
Other names: c.1312A>C, p.Lys438Gln (NM_001083885.3); c.2458A>C, p.Lys820Gln (NM_001173425.2); c.1408A>C, p.Lys470Gln (NM_001346890.1); short protein forms K470Q, K820Q, K438Q, K821Q.
Identifiers: ClinVar variation 939147 (VCV000939147.7), dbSNP rs147387623, ClinGen allele CA5205621.